The following is an entry in ClinVar:

NM_001103.4(ACTN2):c.2629G>T (p.Gly877Cys)

Gene: ACTN2 (actinin alpha 2; plus strand). Cytogenetic location: 1q43.
Variant type: single nucleotide variant.
Coding change: c.2629G>T on transcript NM_001103.4 (MANE Select); coding-DNA position 2629, G replaced by T.
Protein change: p.Gly877Cys; replaces glycine 877 with cysteine.
Molecular consequence: missense variant.
Genome position (GRCh38, 1-based): chr1:236,762,563, G>T. VCF-style: chr1-236762563-G-T. GRCh37 (hg19) VCF-style: chr1-236925863-G-T.
Other names: c.2629G>T (NM_001103.2); c.2629G>T, p.Gly877Cys (NM_001278343.2); c.2005G>T, p.Gly669Cys (NM_001278344.2); short protein forms G877C, G669C.
Identifiers: ClinVar variation 945395 (VCV000945395.15), dbSNP rs754834889, ClinGen allele CA1473505.

ClinVar aggregate classification (germline): Uncertain significance. Review status: criteria provided, multiple submitters, no conflicts (2 of 4 stars). 7 submissions from 7 submitters: Uncertain significance (7). Last evaluated 2026-01-05.

Conditions:
Dilated cardiomyopathy 1AA (CMD1AA). Also called: CARDIOMYOPATHY, DILATED, 1AA, WITH OR WITHOUT LEFT VENTRICULAR NONCOMPACTION; CARDIOMYOPATHY, FAMILIAL HYPERTROPHIC, 23, WITH OR WITHOUT LEFT VENTRICULAR NONCOMPACTION; Cardiomyopathy, dilated, 1AA, with or without LVNC. Identifiers: Orphanet 154, MedGen C2677338, MONDO:0012808, OMIM 612158.
Primary familial hypertrophic cardiomyopathy (HCM). Identifiers: Orphanet 99739, MedGen C0949658, MeSH D024741, MONDO:0024573. Inheritance: Various modes of inheritance.
Hypertrophic cardiomyopathy. Also called: HYPERTROPHIC MYOCARDIOPATHY. Identifiers: Orphanet 217569, MedGen C0007194, MeSH D002312, MONDO:0005045, HP:0001639.
Myopathy, congenital, with structured cores and z-line abnormalities. Also called: MULTIPLE STRUCTURED CORE DISEASE; CONGENITAL MYOPATHY 8. Identifiers: MedGen C5231445, MONDO:0032852, OMIM 618654.
Myopathy, distal, 6, adult-onset, autosomal dominant. Identifiers: MedGen C5203349, MONDO:0032853, OMIM 618655.
Cardiovascular phenotype. Identifiers: MedGen CN230736.

Allele frequency attached by ClinVar (database versions not stated): gnomAD 0.00001; TOPMed 0.00001; ExAC 0.00002.
gnomAD v4.1: 23 of 1,614,040 alleles (0.0014%); highest among the groups gnomAD compares: Middle Eastern, 0.033%; no homozygotes.

Submissions (7):

Labcorp Genetics (formerly Invitae), Labcorp
Classification: Uncertain significance for Primary familial hypertrophic cardiomyopathy; Dilated cardiomyopathy 1AA. Last evaluated: 2026-01-05. Review status: criteria provided, single submitter. Criteria: Invitae Variant Classification Sherloc (09022015). Collection method: clinical testing. Allele origin: germline.
Comment: This sequence change replaces glycine, which is neutral and non-polar, with cysteine, which is neutral and slightly polar, at codon 877 of the ACTN2 protein (p.Gly877Cys). This variant is present in population databases (rs754834889, gnomAD 0.01%). This missense change has been observed in individual(s) with dilated cardiomyopathy (PMID: 31737537). ClinVar contains an entry for this variant (Variation ID: 945395). An algorithm developed to predict the effect of missense changes on protein structure and function (PolyPhen-2) suggests that this variant is likely to be disruptive. In summary, the available evidence is currently insufficient to determine the role of this variant in disease. Therefore, it has been classified as a Variant of Uncertain Significance.

Clinical Genetics Laboratory, Skane University Hospital Lund
Classification: Uncertain significance for Hypertrophic cardiomyopathy. Last evaluated: 2025-04-30. Review status: criteria provided, single submitter. Criteria: ACMG Guidelines, 2015. Collection method: clinical testing. Allele origin: germline. Affected: yes.
Comment: ACMG criteria used: PP3

Molecular Diagnostic Laboratory for Inherited Cardiovascular Disease, Montreal Heart Institute
Classification: Uncertain significance for Cardiovascular phenotype. Last evaluated: 2025-04-09. Review status: criteria provided, single submitter. Criteria: ACMG Guidelines, 2015. Collection method: clinical testing. Allele origin: germline. Affected: yes.

GeneDx
Classification: Uncertain significance. Last evaluated: 2024-09-09. Review status: criteria provided, single submitter. Criteria: GeneDx Variant Classification Process June 2021. Collection method: clinical testing. Allele origin: germline. Affected: yes.
Comment: Identified in a patient with DCM in published literature (PMID: 31737537); Not observed at significant frequency in large population cohorts (gnomAD); In silico analysis supports that this missense variant has a deleterious effect on protein structure/function; This variant is associated with the following publications: (PMID: 31983221, 31737537)

Ambry Genetics
Classification: Uncertain significance for Cardiovascular phenotype. Last evaluated: 2023-10-03. Review status: criteria provided, single submitter. Criteria: Ambry Variant Classification Scheme 2023. Collection method: clinical testing. Allele origin: germline.
Comment: The p.G877C variant (also known as c.2629G>T), located in coding exon 21 of the ACTN2 gene, results from a G to T substitution at nucleotide position 2629. The glycine at codon 877 is replaced by cysteine, an amino acid with highly dissimilar properties. This variant has been reported in a dilated cardiomyopathy (DCM) cohort; however, clinical details were limited (Marschall C et al. Cardiovasc Diagn Ther, 2019 Oct;9:S292-S298). This amino acid position is highly conserved in available vertebrate species. In addition, this alteration is predicted to be deleterious by in silico analysis. Since supporting evidence is limited at this time, the clinical significance of this alteration remains unclear.

Fulgent Genetics
Classification: Uncertain significance for Dilated cardiomyopathy 1AA; Myopathy, congenital, with structured cores and z-line abnormalities; Myopathy, distal, 6, adult-onset, autosomal dominant. Last evaluated: 2021-08-12. Review status: criteria provided, single submitter. Criteria: ACMG Guidelines, 2015. Collection method: clinical testing. Allele origin: unknown.

Institute for Medical Genetics and Human Genetics, Charité - Universitätsmedizin Berlin
Classification: Uncertain significance. Review status: criteria provided, single submitter. Criteria: ACMG Guidelines, 2015. Collection method: not provided. Allele origin: germline. Inheritance: Autosomal dominant inheritance. Affected: yes.

Literature cited by the submitters: PubMed 31737537 (cited by Labcorp Genetics (formerly Invitae), Labcorp and Ambry Genetics).